The following is an entry in ClinVar:

ClinVar aggregate classification (germline): Likely pathogenic (1 of 4 stars; one submission).

Conditions:
Charcot-Marie-Tooth Neuropathy X. Identifiers: MedGen CN118851.

Submission:

Labcorp Genetics (formerly Invitae), Labcorp
Classification: Likely pathogenic for Charcot-Marie-Tooth Neuropathy X. Last evaluated: 2021-08-27. Review status: criteria provided, single submitter. Criteria: Invitae Variant Classification Sherloc (09022015). Collection method: clinical testing. Allele origin: germline.
Comment: This sequence change replaces phenylalanine with leucine at codon 51 of the GJB1 protein (p.Phe51Leu). The phenylalanine residue is highly conserved and there is a small physicochemical difference between phenylalanine and leucine. In summary, the currently available evidence indicates that the variant is pathogenic, but additional data are needed to prove that conclusively. Therefore, this variant has been classified as Likely Pathogenic. Algorithms developed to predict the effect of missense changes on protein structure and function are either unavailable or do not agree on the potential impact of this missense change (SIFT: "Deleterious"; PolyPhen-2: "Probably Damaging"; Align-GVGD: "Class C0"). A different variant (c.151T>C) giving rise to the same protein effect has been determined to be pathogenic (PMID: 26454100, 28071741; Invitae). This suggests that this variant is also likely to be causative of disease. This variant is not present in population databases (ExAC no frequency).

Literature cited by the submitters: PubMed 26454100; PubMed 28071741.

NM_000166.6(GJB1):c.153C>A (p.Phe51Leu)

Gene: GJB1 (gap junction protein beta 1; plus strand). Cytogenetic location: Xq13.1.
Variant type: single nucleotide variant.
Coding change: c.153C>A on transcript NM_000166.6 (MANE Select); coding-DNA position 153, C replaced by A.
Protein change: p.Phe51Leu; replaces phenylalanine 51 with leucine.
Molecular consequence: missense variant.
Genome position (GRCh38, 1-based): chrX:71,223,860, C>A. VCF-style: chrX-71223860-C-A. GRCh37 (hg19) VCF-style: chrX-70443710-C-A.
Other names: c.153C>A, p.Phe51Leu (NM_001097642.3); short protein forms F51L.
Identifiers: ClinVar variation 1491749 (VCV001491749.6), dbSNP rs2147945283, ClinGen allele CA413501166.